The following is an entry in ClinVar:

ClinVar aggregate classification (germline): Uncertain significance (1 of 4 stars; one submission).

Allele frequency attached by ClinVar (database versions not stated): TOPMed 0.00001; ExAC 0.00002.
gnomAD v4.1: 4 of 1,614,152 alleles (0.00025%); highest among the groups gnomAD compares: Admixed American, 0.0067%; 1 homozygote.

Submission:

Labcorp Genetics (formerly Invitae), Labcorp
Classification: Uncertain significance. Last evaluated: 2024-08-13. Review status: criteria provided, single submitter. Criteria: Invitae Variant Classification Sherloc (09022015). Collection method: clinical testing. Allele origin: germline.
Comment: This sequence change replaces glutamine, which is neutral and polar, with leucine, which is neutral and non-polar, at codon 605 of the NDUFS1 protein (p.Gln605Leu). This variant is present in population databases (rs758981403, gnomAD 0.01%), including at least one homozygous and/or hemizygous individual. This variant has not been reported in the literature in individuals affected with NDUFS1-related conditions. ClinVar contains an entry for this variant (Variation ID: 1916376). Advanced modeling of protein sequence and biophysical properties (such as structural, functional, and spatial information, amino acid conservation, physicochemical variation, residue mobility, and thermodynamic stability) performed at Invitae indicates that this missense variant is not expected to disrupt NDUFS1 protein function with a negative predictive value of 80%. In summary, the available evidence is currently insufficient to determine the role of this variant in disease. Therefore, it has been classified as a Variant of Uncertain Significance.

NM_005006.7(NDUFS1):c.1814A>T (p.Gln605Leu)

Gene: NDUFS1 (NADH:ubiquinone oxidoreductase core subunit S1; minus strand). Cytogenetic location: 2q33.3.
Variant type: single nucleotide variant.
Coding change: c.1814A>T on transcript NM_005006.7 (MANE Select); coding-DNA position 1814, A replaced by T.
Protein change: p.Gln605Leu; replaces glutamine 605 with leucine.
Molecular consequence: missense variant.
Genome position (GRCh38, 1-based): chr2:206,127,867, T>A on the plus strand (A>T on the coding strand, the complement: NDUFS1 is on the minus strand). VCF-style: chr2-206127867-T-A. GRCh37 (hg19) VCF-style: chr2-206992591-T-A.
Other names: c.1706A>T, p.Gln569Leu (NM_001199981.2); c.1481A>T, p.Gln494Leu (NM_001199982.2); c.1643A>T, p.Gln548Leu (NM_001199983.2); c.1856A>T, p.Gln619Leu (NM_001199984.2); short protein forms Q494L, Q548L, Q569L, Q605L, Q619L.
Identifiers: ClinVar variation 1916376 (VCV001916376.5), dbSNP rs758981403, ClinGen allele CA2070345.
Genomic context (GRCh38, chr2:206,127,867, plus strand): 5'-GCTCTTATAATTTTCCAGTCTTCTCTTGCCAAGCCAGGAGGTGTCACTGCTACCTTAGTC[T>A]GCTGAGCTCTACCCTCAGTGTTGACATATGTAGCAGACTTCTCTGTGTAAGCAGCTCCTG-3'
Protein context (NP_004997.4, residues 595-615): TYVNTEGRAQ[Gln605Leu]TKVAVTPPGL